The following is an entry in ClinVar:

ClinVar aggregate classification (germline): Uncertain significance (0 of 4 stars; one submission).

Conditions:
SPEN-related disorder. Also called: SPEN-related condition.

Allele frequency attached by ClinVar (database versions not stated): gnomAD exomes below 0.00001; TOPMed below 0.00001; ExAC 0.00001.
gnomAD v4.1: 1 of 1,613,642 alleles (0.000062%); highest among the groups gnomAD compares: Non-Finnish European, 0.000085%; no homozygotes.

Submission:

PreventionGenetics, part of Exact Sciences
Classification: Uncertain significance for SPEN-related condition. Last evaluated: 2024-02-05. Review status: no assertion criteria provided. Collection method: clinical testing. Allele origin: germline.
Comment: The SPEN c.7621C>T variant is predicted to result in the amino acid substitution p.Pro2541Ser. To our knowledge, this variant has not been reported in the literature. This variant is reported in 0.00088% of alleles in individuals of European (Non-Finnish) descent in gnomAD. At this time, the clinical significance of this variant is uncertain due to the absence of conclusive functional and genetic evidence.

NM_015001.3(SPEN):c.7621C>T (p.Pro2541Ser)

Gene: SPEN (spen family transcriptional repressor; plus strand). Cytogenetic location: 1p36.13.
Variant type: single nucleotide variant.
Coding change: c.7621C>T on transcript NM_015001.3 (MANE Select); coding-DNA position 7621, C replaced by T.
Protein change: p.Pro2541Ser; replaces proline 2541 with serine.
Molecular consequence: missense variant.
Genome position (GRCh38, 1-based): chr1:15,933,861, C>T. VCF-style: chr1-15933861-C-T. GRCh37 (hg19) VCF-style: chr1-16260356-C-T.
Other names: short protein forms P2541S.
Identifiers: ClinVar variation 3061490 (VCV003061490.2), dbSNP rs768761736, ClinGen allele CA620133.